The following is an entry in ClinVar:

ClinVar aggregate classification (germline): Likely pathogenic. Review status: criteria provided, multiple submitters, no conflicts (2 of 4 stars). 2 submissions from 2 submitters: Likely pathogenic (2). Last evaluated 2020-12-04.

Conditions:
Cardiovascular phenotype. Identifiers: MedGen CN230736.
Dilated cardiomyopathy 1G (CMD1G). Identifiers: Orphanet 154, MedGen C1858763, MONDO:0011400, OMIM 604145.
Autosomal recessive limb-girdle muscular dystrophy type 2J (LGMDR10). Also called: Limb-girdle muscular dystrophy, type 2J; MUSCULAR DYSTROPHY, LIMB-GIRDLE, AUTOSOMAL RECESSIVE 10. Identifiers: Orphanet 140922, MedGen C1837342, MONDO:0012127, OMIM 608807.

Submissions (2):

Labcorp Genetics (formerly Invitae), Labcorp
Classification: Likely pathogenic for Dilated cardiomyopathy 1G; Autosomal recessive limb-girdle muscular dystrophy type 2J. Last evaluated: 2020-12-04. Review status: criteria provided, single submitter. Criteria: Invitae Variant Classification Sherloc (09022015). Collection method: clinical testing. Allele origin: germline.
Comment: In summary, the currently available evidence indicates that the variant is pathogenic, but additional data are needed to prove that conclusively. Therefore, this variant has been classified as Likely Pathogenic. This variant is located in the A band of TTN (PMID: 25589632). Truncating variants in this region are significantly overrepresented in patients affected with dilated cardiomyopathy (PMID: 25589632). Truncating variants in this region have also been reported in individuals affected with autosomal recessive centronuclear myopathy (PMID: 23975875). This sequence change creates a premature translational stop signal (p.Gly16089Aspfs*21) in the TTN gene. While this is not anticipated to result in nonsense mediated decay, it is expected to create a truncated TTN protein. This variant is not present in population databases (ExAC no frequency). This variant has not been reported in the literature in individuals with TTN-related conditions.

Ambry Genetics
Classification: Likely pathogenic for Cardiovascular phenotype. Last evaluated: 2019-09-20. Review status: criteria provided, single submitter. Criteria: Ambry Variant Classification Scheme 2023. Collection method: clinical testing. Allele origin: germline.
Comment: The c.21069delT variant, located in coding exon 84 of the TTN gene, results from a deletion of one nucleotide at nucleotide position 21069, causing a translational frameshift with a predicted alternate stop codon (p.G7024Dfs*21). This exon is located in the A-band region of the N2-B isoform of the titin protein and is constitutively expressed in TTN transcripts (percent spliced in or PSI 100%). This alteration is expected to result in loss of function by premature protein truncation or nonsense-mediated mRNA decay. While truncating variants in TTN are present in 1-3% of the general population, truncating variants in the A-band are the most common cause of dilated cardiomyopathy (DCM) (Herman DS et al. N. Engl. J. Med., 2012 Feb;366:619-28; Roberts AM et al. Sci Transl Med, 2015 Jan;7:270ra6). TTN truncating variants encoded in constitutive exons (PSI >90%) have been found to be significantly associated with DCM regardless of their position in titin (Schafer S et al. Nat. Genet., 2017 01;49:46-53). As such, this alteration is classified as likely pathogenic.

Literature cited by the submitters: PubMed 25589632 (cited by Labcorp Genetics (formerly Invitae), Labcorp); PubMed 23975875 (cited by Labcorp Genetics (formerly Invitae), Labcorp).

NM_001267550.2(TTN):c.48264del (p.Gly16089fs)

Genes: TTN-AS1 (TTN antisense RNA 1; plus strand), TTN (titin; minus strand). Cytogenetic location: 2q31.2.
Variant type: Deletion.
Coding change: c.48264del on transcript NM_001267550.2 (MANE Select); coding-DNA position 48264, one base deleted (T; older notation c.48264delT).
Protein change: p.Gly16089fs; shifts the reading frame from glycine 16089.
Molecular consequence: frameshift variant.
Genome position (GRCh38, 1-based): chr2:178,616,527, A deleted on the plus strand (T on the coding strand, the reverse complement: TTN is on the minus strand). VCF-style (leftmost placement, unchanged base first): chr2-178616526-CA-C. GRCh37 (hg19) VCF-style: chr2-179481253-CA-C.
Other names: c.21069delT (NM_003319.4); c.43341del, p.Gly14448fs (NM_001256850.1); c.21069del, p.Gly7024fs (NM_003319.4); c.40560del, p.Gly13521fs (NM_133378.4); c.21444del, p.Gly7149fs (NM_133432.3); c.21645del, p.Gly7216fs (NM_133437.4); short protein forms G13521fs, G16089fs, G7149fs, G14448fs, G7216fs, G7024fs.
Identifiers: ClinVar variation 1466258 (VCV001466258.10), dbSNP rs2154208052, ClinGen allele CA2573133787.